The following is an entry in ClinVar:

NM_015001.3(SPEN):c.6886A>G (p.Thr2296Ala)

Gene: SPEN (spen family transcriptional repressor; plus strand). Cytogenetic location: 1p36.13.
Variant type: single nucleotide variant.
Coding change: c.6886A>G on transcript NM_015001.3 (MANE Select); coding-DNA position 6886, A replaced by G.
Protein change: p.Thr2296Ala; replaces threonine 2296 with alanine.
Molecular consequence: missense variant.
Genome position (GRCh38, 1-based): chr1:15,933,126, A>G. VCF-style: chr1-15933126-A-G. GRCh37 (hg19) VCF-style: chr1-16259621-A-G.
Other names: c.6886A>G (NM_015001.2); short protein forms T2296A.
Identifiers: ClinVar variation 3377742 (VCV003377742.2).

ClinVar aggregate classification (germline): Conflicting classifications of pathogenicity. Review status: criteria provided, conflicting classifications (1 of 4 stars). 2 submissions from 2 submitters: Uncertain significance (1); Likely benign (1). Last evaluated 2025-08-14.

Conditions:
Radio-Tartaglia syndrome. Identifiers: Orphanet 662234, MedGen C5543339, MONDO:0859143, OMIM 619312.
Inborn genetic diseases. Identifiers: MedGen C0950123, MeSH D030342.

Submissions (2):

Ambry Genetics
Classification: Likely benign for Inborn genetic diseases. Last evaluated: 2025-08-14. Review status: criteria provided, single submitter. Criteria: Ambry Variant Classification Scheme 2023. Collection method: clinical testing. Allele origin: germline.

Neuberg Centre For Genomic Medicine, NCGM
Classification: Uncertain significance for Radio-Tartaglia syndrome. Last evaluated: 2023-06-22. Review status: criteria provided, single submitter. Criteria: ACMG Guidelines, 2015. Collection method: clinical testing. Allele origin: germline. Inheritance: Autosomal dominant inheritance. Affected: yes.
Comment: The observed missense c.6886A>G(p.Thr2296Ala) variant in SPEN gene has not been reported previously as a pathogenic variant nor a benign variant, to our knowledge. he p.Thr2296Ala variant is absent in gnomAD Exomes. This variant has not been submitted to the ClinVar database. Multiple lines of computational evidences (Polyphen - Benign, SIFT - Tolerated and MutationTaster - Polymorphism) predict no damaging effect on protein structure and function for this variant. The reference amino acid change at this position on SPEN gene is predicted as conserved by GERP++ and PhyloP across 100 vertebrates. The amino acid Thr at position 2296 is changed to a Ala changing protein sequence and it might alter its composition and physico-chemical properties. For these reasons, this variant has been classified as a Variant of Uncertain Significance (VUS).